The following is an entry in ClinVar:

NM_017671.5(FERMT1):c.671C>G (p.Pro224Arg)

Gene: FERMT1 (FERM domain containing kindlin 1; minus strand). Cytogenetic location: 20p12.3.
Variant type: single nucleotide variant.
Coding change: c.671C>G on transcript NM_017671.5 (MANE Select); coding-DNA position 671, C replaced by G.
Protein change: p.Pro224Arg; replaces proline 224 with arginine.
Molecular consequence: missense variant.
Genome position (GRCh38, 1-based): chr20:6,110,373, G>C on the plus strand (C>G on the coding strand, the complement: FERMT1 is on the minus strand). VCF-style: chr20-6110373-G-C. GRCh37 (hg19) VCF-style: chr20-6091020-G-C.
Other names: c.671C>G (NM_017671.4); short protein forms P224R.
Identifiers: ClinVar variation 1036797 (VCV001036797.6), dbSNP rs752983617, ClinGen allele CA9758402.

ClinVar aggregate classification (germline): Uncertain significance. Review status: criteria provided, multiple submitters, no conflicts (2 of 4 stars). 2 submissions from 2 submitters: Uncertain significance (2). Last evaluated 2021-09-01.

Conditions:
Inborn genetic diseases. Identifiers: MedGen C0950123, MeSH D030342.

Allele frequency attached by ClinVar (database versions not stated): TOPMed 0.00002; gnomAD 0.00003 and 0.00004.
gnomAD v4.1: 20 of 1,613,852 alleles (0.0012%); highest among the groups gnomAD compares: African/African-American, 0.0027%; no homozygotes.

Submissions (2):

Ambry Genetics
Classification: Uncertain significance for Inborn genetic diseases. Last evaluated: 2021-09-01. Review status: criteria provided, single submitter. Criteria: Ambry Variant Classification Scheme 2023. Collection method: clinical testing. Allele origin: germline.

Labcorp Genetics (formerly Invitae), Labcorp
Classification: Uncertain significance. Last evaluated: 2021-08-31. Review status: criteria provided, single submitter. Criteria: Invitae Variant Classification Sherloc (09022015). Collection method: clinical testing. Allele origin: germline.
Comment: This sequence change replaces proline with arginine at codon 224 of the FERMT1 protein (p.Pro224Arg). The proline residue is highly conserved and there is a moderate physicochemical difference between proline and arginine. This variant is present in population databases (rs752983617, ExAC 0.001%). This variant has not been reported in the literature in individuals affected with FERMT1-related conditions. Algorithms developed to predict the effect of missense changes on protein structure and function (SIFT, PolyPhen-2, Align-GVGD) all suggest that this variant is likely to be disruptive. In summary, the available evidence is currently insufficient to determine the role of this variant in disease. Therefore, it has been classified as a Variant of Uncertain Significance.